The following is an entry in ClinVar:

ClinVar aggregate classification (germline): Likely pathogenic (1 of 4 stars; one submission).

Conditions:
Hypotonia, ataxia, and delayed development syndrome (HADDS). Also called: EBF3 Neurodevelopmental Disorder. Identifiers: Orphanet 658843, MedGen C4310618, MONDO:0015021, OMIM 617330.

Submission:

Institute of Human Genetics, Clinical Exome/Genome Diagnostics Group, University Hospital Bonn
Classification: Likely pathogenic for Hypotonia, ataxia, and delayed development syndrome. Last evaluated: 2022-02-01. Review status: criteria provided, single submitter. Criteria: ACMG Guidelines, 2015. Collection method: clinical testing. Allele origin: de novo. Affected: yes.
Comment: PS2, PM2, PP2

NM_001375380.1(EBF3):c.505A>G (p.Ser169Gly)

Gene: EBF3 (EBF transcription factor 3; minus strand). Cytogenetic location: 10q26.3.
Variant type: single nucleotide variant.
Coding change: c.505A>G on transcript NM_001375380.1 (MANE Select); coding-DNA position 505, A replaced by G.
Protein change: p.Ser169Gly; replaces serine 169 with glycine.
Molecular consequence: missense variant.
Genome position (GRCh38, 1-based): chr10:129,957,307, T>C on the plus strand (A>G on the coding strand, the complement: EBF3 is on the minus strand). VCF-style: chr10-129957307-T-C. GRCh37 (hg19) VCF-style: chr10-131755571-T-C.
Other names: c.505A>G, p.Ser169Gly (NM_001005463.3, NM_001375379.1, NM_001375389.1 and 3 more transcripts); short protein forms S169G.
Identifiers: ClinVar variation 1343248 (VCV001343248.1), dbSNP rs2134610777, ClinGen allele CA378910539.